The following is an entry in ClinVar:

NM_032608.7(MYO18B):c.6830C>T (p.Thr2277Ile)

Gene: MYO18B (myosin XVIIIB; plus strand). Cytogenetic location: 22q12.1.
Variant type: single nucleotide variant.
Coding change: c.6830C>T on transcript NM_032608.7 (MANE Select); coding-DNA position 6830, C replaced by T.
Protein change: p.Thr2277Ile; replaces threonine 2277 with isoleucine.
Molecular consequence: missense variant.
Genome position (GRCh38, 1-based): chr22:26,026,804, C>T. VCF-style: chr22-26026804-C-T. GRCh37 (hg19) VCF-style: chr22-26422770-C-T.
Other names: c.6833C>T, p.Thr2278Ile (NM_001318245.2); c.6830C>T (NM_032608.5); short protein forms T2278I, T2277I.
Identifiers: ClinVar variation 1442934 (VCV001442934.5), dbSNP rs762290771, ClinGen allele CA10161624.

ClinVar aggregate classification (germline): Uncertain significance. Review status: criteria provided, multiple submitters, no conflicts (2 of 4 stars). 2 submissions from 2 submitters: Uncertain significance (2). Last evaluated 2023-11-20.

Conditions:
Inborn genetic diseases. Identifiers: MedGen C0950123, MeSH D030342.

Allele frequency attached by ClinVar (database versions not stated): ExAC 0.00002; gnomAD exomes 0.00002 and 0.00011; gnomAD 0.00003; TOPMed 0.00003.
gnomAD v4.1: 159 of 1,598,014 alleles (0.0099%); highest among the groups gnomAD compares: Non-Finnish European, 0.013%; no homozygotes.

Submissions (2):

Labcorp Genetics (formerly Invitae), Labcorp
Classification: Uncertain significance. Last evaluated: 2023-11-20. Review status: criteria provided, single submitter. Criteria: Invitae Variant Classification Sherloc (09022015). Collection method: clinical testing. Allele origin: germline.
Comment: This sequence change replaces threonine, which is neutral and polar, with isoleucine, which is neutral and non-polar, at codon 2277 of the MYO18B protein (p.Thr2277Ile). This variant is present in population databases (rs762290771, gnomAD 0.02%). This variant has not been reported in the literature in individuals affected with MYO18B-related conditions. ClinVar contains an entry for this variant (Variation ID: 1442934). An algorithm developed to predict the effect of missense changes on protein structure and function (PolyPhen-2) suggests that this variant¬†is likely to be tolerated. In summary, the available evidence is currently insufficient to determine the role of this variant in disease. Therefore, it has been classified as a Variant of Uncertain Significance.

Ambry Genetics
Classification: Uncertain significance for Inborn genetic diseases. Last evaluated: 2022-10-12. Review status: criteria provided, single submitter. Criteria: Ambry Variant Classification Scheme 2023. Collection method: clinical testing. Allele origin: germline.